The following is an entry in ClinVar:

ClinVar aggregate classification (germline): Conflicting classifications of pathogenicity. Review status: criteria provided, conflicting classifications (1 of 4 stars). 7 submissions from 6 submitters: Uncertain significance (4); Benign (1); Likely benign (1). 1 of the submissions does not count toward it. Last evaluated 2026-01-28.

Conditions:
WDR19-related disorder. Also called: WDR19-related condition; WDR19-related disorders. Identifiers: MedGen CN380161.
Cranioectodermal dysplasia 4 (CED4). Identifiers: Orphanet 1515, MedGen C3280616, MONDO:0013719, OMIM 614378.
Asphyxiating thoracic dystrophy 5 (SRTD5). Also called: SHORT-RIB THORACIC DYSPLASIA 5 WITH OR WITHOUT POLYDACTYLY; SHORT-RIB THORACIC DYSPLASIA 5 WITHOUT POLYDACTYLY. Identifiers: Orphanet 474, MedGen C3280598, MONDO:0013717, OMIM 614376.
Senior-Loken syndrome 8 (SLSN8). Identifiers: Orphanet 3156, MedGen C4225376, MONDO:0014579, OMIM 616307.

Allele frequency attached by ClinVar (database versions not stated): gnomAD exomes 0.00011; ExAC 0.00031; ESP Exome Variant Server 0.00089; gnomAD 0.00095 and 0.00101; TOPMed 0.00098; 1000 Genomes Project 0.00180; 1000 Genomes Project 30x 0.00187.
gnomAD v4.1: 244 of 1,427,794 alleles (0.017%); highest among the groups gnomAD compares: African/African-American, 0.34%; no homozygotes.

Submissions (7):

Labcorp Genetics (formerly Invitae), Labcorp
Classification: Likely benign for Senior-Loken syndrome 8; Asphyxiating thoracic dystrophy 5. Last evaluated: 2026-01-28. Review status: criteria provided, single submitter. Criteria: Invitae Variant Classification Sherloc (09022015). Collection method: clinical testing. Allele origin: germline.

Blueprint Genetics
Classification: Benign. Last evaluated: 2024-03-26. Review status: criteria provided, single submitter. Criteria: ACMG Guidelines, 2015. Collection method: clinical testing. Allele origin: germline.

GeneDx
Classification: Uncertain significance. Last evaluated: 2024-01-09. Review status: criteria provided, single submitter. Criteria: GeneDx Variant Classification Process June 2021. Collection method: clinical testing. Allele origin: germline. Affected: yes.
Comment: In silico analysis supports that this missense variant does not alter protein structure/function; Has not been previously published as pathogenic or benign to our knowledge

Revvity Omics, Revvity
Classification: Uncertain significance. Last evaluated: 2021-04-02. Review status: criteria provided, single submitter. Criteria: ACMG Guidelines, 2015. Collection method: clinical testing. Allele origin: germline.

Illumina Laboratory Services, Illumina
Classification: Uncertain significance for Asphyxiating thoracic dystrophy 5. Last evaluated: 2018-01-12. Review status: criteria provided, single submitter. Criteria: ICSL Variant Classification Criteria 13 December 2019. Collection method: clinical testing. Allele origin: germline.

Illumina Laboratory Services, Illumina
Classification: Uncertain significance for Cranioectodermal dysplasia 4. Last evaluated: 2018-01-12. Review status: criteria provided, single submitter. Criteria: ICSL Variant Classification Criteria 13 December 2019. Collection method: clinical testing. Allele origin: germline.

PreventionGenetics, part of Exact Sciences
Classification: Likely benign for WDR19-related condition. Last evaluated: 2022-12-16. Review status: no assertion criteria provided. Collection method: clinical testing. Allele origin: germline. Not counted in ClinVar's aggregate classification.
Comment: This variant is classified as likely benign based on ACMG/AMP sequence variant interpretation guidelines (Richards et al. 2015 PMID: 25741868, with internal and published modifications).

NM_025132.4(WDR19):c.2386G>A (p.Ala796Thr)

Gene: WDR19 (WD repeat domain 19; plus strand). Cytogenetic location: 4p14.
Variant type: single nucleotide variant.
Coding change: c.2386G>A on transcript NM_025132.4 (MANE Select); coding-DNA position 2386, G replaced by A.
Protein change: p.Ala796Thr; replaces alanine 796 with threonine.
Molecular consequence: missense variant.
Genome position (GRCh38, 1-based): chr4:39,240,299, G>A. VCF-style: chr4-39240299-G-A. GRCh37 (hg19) VCF-style: chr4-39241919-G-A.
Other names: c.1906G>A, p.Ala636Thr (NM_001317924.2); short protein forms A636T, A796T.
Identifiers: ClinVar variation 899742 (VCV000899742.17), dbSNP rs187332731, ClinGen allele CA2892070.